The following is an entry in ClinVar:

ClinVar aggregate classification (germline): Uncertain significance. Review status: criteria provided, multiple submitters, no conflicts (2 of 4 stars). 2 submissions from 2 submitters: Uncertain significance (2). Last evaluated 2025-10-19.

gnomAD v4.1: 21 of 1,613,726 alleles (0.0013%); highest among the groups gnomAD compares: Admixed American, 0.025%; no homozygotes.

Submissions (2):

Labcorp Genetics (formerly Invitae), Labcorp
Classification: Uncertain significance. Last evaluated: 2025-10-19. Review status: criteria provided, single submitter. Criteria: Invitae Variant Classification Sherloc (09022015). Collection method: clinical testing. Allele origin: germline.
Comment: This sequence change replaces arginine, which is basic and polar, with cysteine, which is neutral and slightly polar, at codon 350 of the DYNC1I1 protein (p.Arg350Cys). This variant is present in population databases (rs17853779, gnomAD 0.04%). This variant has not been reported in the literature in individuals affected with DYNC1I1-related conditions. An algorithm developed to predict the effect of missense changes on protein structure and function (PolyPhen-2) suggests that this variant is likely to be disruptive. In summary, the available evidence is currently insufficient to determine the role of this variant in disease. Therefore, it has been classified as a Variant of Uncertain Significance.

Ambry Genetics
Classification: Uncertain significance. Last evaluated: 2025-08-01. Review status: criteria provided, single submitter. Criteria: Ambry Variant Classification Scheme 2023. Collection method: clinical testing. Allele origin: germline.

NM_001135556.2(DYNC1I1):c.997C>T (p.Arg333Cys)

Gene: DYNC1I1 (dynein cytoplasmic 1 intermediate chain 1; plus strand). Cytogenetic location: 7q21.3.
Variant type: single nucleotide variant.
Coding change: c.997C>T on transcript NM_001135556.2 (MANE Select); coding-DNA position 997, C replaced by T.
Protein change: p.Arg333Cys; replaces arginine 333 with cysteine.
Molecular consequence: missense variant.
Genome position (GRCh38, 1-based): chr7:96,028,202, C>T. VCF-style: chr7-96028202-C-T. GRCh37 (hg19) VCF-style: chr7-95657514-C-T.
Other names: c.937C>T, p.Arg313Cys (NM_001135557.2, NM_001278422.2); c.988C>T, p.Arg330Cys (NM_001278421.2); c.1048C>T, p.Arg350Cys (NM_004411.5); short protein forms R313C, R333C, R350C, R330C.
Identifiers: ClinVar variation 4245741 (VCV004245741.2).
Genomic context (GRCh38, chr7:96,028,202, plus strand): 5'-GCATCTCTCTCTCTCTCTCCTTTTCCCTGACAGTCCTCTGTGATGTCGGTCTGCTTCGCC[C>T]GTTTCCATCCTAACTTGGTGGTTGGTGGGACTTACTCGGGCCAGATTGTCCTCTGGGACA-3'
Protein context (NP_001129028.1, residues 323-343): QSSVMSVCFA[Arg333Cys]FHPNLVVGGT